The following is an entry in ClinVar:

NM_004655.4(AXIN2):c.2118G>A (p.Glu706=)

Gene: AXIN2 (axin 2; minus strand). Cytogenetic location: 17q24.1.
Variant type: single nucleotide variant.
Coding change: c.2118G>A on transcript NM_004655.4 (MANE Select); coding-DNA position 2118, G replaced by A.
Protein change: p.Glu706=; no amino-acid change (glutamic acid 706 retained).
Molecular consequence: synonymous variant.
Genome position (GRCh38, 1-based): chr17:65,536,343, C>T on the plus strand (G>A on the coding strand, the complement: AXIN2 is on the minus strand). VCF-style: chr17-65536343-C-T. GRCh37 (hg19) VCF-style: chr17-63532461-C-T.
Other names: c.1923G>A, p.Glu641= (NM_001363813.1).
Identifiers: ClinVar variation 758773 (VCV000758773.14), dbSNP rs1598096602, ClinGen allele CA501476188.

ClinVar aggregate classification (germline): Benign/Likely benign. Review status: criteria provided, multiple submitters, no conflicts (2 of 4 stars). 4 submissions from 4 submitters: Benign (1); Likely benign (2). 1 of the submissions does not count toward it. Last evaluated 2025-07-30.

Conditions:
Hereditary cancer-predisposing syndrome. Also called: Tumor predisposition; Neoplastic Syndromes, Hereditary; Hereditary Cancer Syndrome; Hereditary neoplastic syndrome. Identifiers: Orphanet 140162, MedGen C0027672, MeSH D009386, MONDO:0015356.
AXIN2-related disorder.
Oligodontia-cancer predisposition syndrome. Also called: TOOTH AGENESIS-COLORECTAL CANCER SYNDROME. Identifiers: Orphanet 300576, MedGen C1837750, MONDO:0012075, OMIM 608615. Disease mechanism: loss of function.

Allele frequency attached by ClinVar (database versions not stated): TOPMed below 0.00001; gnomAD exomes 0.00001.
gnomAD v4.1: 16 of 1,612,768 alleles (0.00099%); highest among the groups gnomAD compares: Non-Finnish European, 0.0014%; no homozygotes.

Submissions (4):

Labcorp Genetics (formerly Invitae), Labcorp
Classification: Likely benign for Oligodontia-cancer predisposition syndrome. Last evaluated: 2025-07-30. Review status: criteria provided, single submitter. Criteria: Invitae Variant Classification Sherloc (09022015). Collection method: clinical testing. Allele origin: germline.

Myriad Genetics, Inc.
Classification: Benign for Oligodontia-cancer predisposition syndrome. Last evaluated: 2024-07-09. Review status: criteria provided, single submitter. Criteria: Myriad Autosomal Dominant, Autosomal Recessive and X-Linked Classification Criteria (2023). Collection method: clinical testing. Allele origin: unknown.
Comment: This variant is considered benign. This variant is a silent/synonymous amino acid change and it is not expected to impact splicing.

Ambry Genetics
Classification: Likely benign for Hereditary cancer-predisposing syndrome. Last evaluated: 2019-03-07. Review status: criteria provided, single submitter. Criteria: Ambry Variant Classification Scheme 2023. Collection method: clinical testing. Allele origin: germline.

PreventionGenetics, part of Exact Sciences
Classification: Likely benign for AXIN2-related condition. Last evaluated: 2024-03-25. Review status: no assertion criteria provided. Collection method: clinical testing. Allele origin: germline. Not counted in ClinVar's aggregate classification.
Comment: This variant is classified as likely benign based on ACMG/AMP sequence variant interpretation guidelines (Richards et al. 2015 PMID: 25741868, with internal and published modifications).